The following is an entry in ClinVar:

NM_000055.4(BCHE):c.1684+1G>T

Gene: BCHE (butyrylcholinesterase; minus strand). Cytogenetic location: 3q26.1.
Variant type: single nucleotide variant.
Coding change: c.1684+1G>T on transcript NM_000055.4 (MANE Select); the canonical splice donor site of the intron after coding-DNA position 1684, G replaced by T.
Molecular consequence: splice donor variant.
Genome position (GRCh38, 1-based): chr3:165,786,144, C>A on the plus strand (G>T on the coding strand, the complement: BCHE is on the minus strand). VCF-style: chr3-165786144-C-A. GRCh37 (hg19) VCF-style: chr3-165503932-C-A.
Identifiers: ClinVar variation 370446 (VCV000370446.4), dbSNP rs1057516496, ClinGen allele CA16040915.

ClinVar aggregate classification (germline): Likely pathogenic. Review status: criteria provided, single submitter (1 of 4 stars). 2 submissions from 2 submitters: Likely pathogenic (1). 1 of the submissions does not count toward it. Last evaluated 2026-05-18.

Conditions:
Deficiency of butyrylcholinesterase (BCHED). Also called: Deficiency of butyrylcholine esterase; Butyrylcholinesterase deficiency; BCHE, silent 1; Acholinesterasemia. Identifiers: Orphanet 132, MedGen C1283400, MONDO:0015270, OMIM 617936.

gnomAD v4.1: 2 of 1,611,028 alleles (0.00012%); highest among the groups gnomAD compares: Non-Finnish European, 0.00017%; no homozygotes.

Submissions (2):

Myriad Genetics, Inc.
Classification: Likely pathogenic for Deficiency of butyrylcholinesterase. Last evaluated: 2026-05-18. Review status: criteria provided, single submitter. Criteria: Myriad Autosomal Dominant, Autosomal Recessive and X-Linked Classification Criteria (2023). Collection method: clinical testing. Allele origin: unknown.
Comment: NM_000055.2(BCHE):c.1684+1G>T is a variant in a canonical splice site classified as likely pathogenic in the context of pseudocholinesterase deficiency. c.1684+1G>T has not been observed in cases with relevant disease. Relevant functional assessments of this variant are not available in the literature. c.1684+1G>T has not been observed in referenced population frequency databases. In summary, NM_000055.2(BCHE):c.1684+1G>T is a variant in a canonical splice site in a gene where loss of function is a known mechanism of disease and is predicted to disrupt protein function. Please note: this variant was assessed in the context of healthy population screening.

Counsyl
Classification: Likely pathogenic. Last evaluated: 2016-02-12. Review status: no assertion criteria provided. Collection method: clinical testing. Allele origin: unknown. Not counted in ClinVar's aggregate classification.